The following is an entry in ClinVar:

NM_001267550.2(TTN):c.102811G>A (p.Val34271Ile)

Genes: TTN (titin; minus strand), TTN-AS1 (TTN antisense RNA 1; plus strand). Cytogenetic location: 2q31.2.
Variant type: single nucleotide variant.
Coding change: c.102811G>A on transcript NM_001267550.2 (MANE Select); coding-DNA position 102811, G replaced by A.
Protein change: p.Val34271Ile; replaces valine 34271 with isoleucine.
Molecular consequence: missense variant.
Genome position (GRCh38, 1-based): chr2:178,533,804, C>T on the plus strand (G>A on the coding strand, the complement: TTN is on the minus strand). VCF-style: chr2-178533804-C-T. GRCh37 (hg19) VCF-style: chr2-179398531-C-T.
Other names: p.V32630I:GTA>ATA; c.97888G>A, p.Val32630Ile (NM_001256850.1); c.75616G>A, p.Val25206Ile (NM_003319.4); c.95107G>A, p.Val31703Ile (NM_133378.4); c.75991G>A, p.Val25331Ile (NM_133432.3); c.76192G>A, p.Val25398Ile (NM_133437.4); short protein forms V34271I, V32630I, V31703I, V25398I, V25206I, V25331I.
Identifiers: ClinVar variation 196653 (VCV000196653.19), dbSNP rs794727542, ClinGen allele CA302944.
Genomic context (GRCh38, chr2:178,533,804, plus strand): 5'-ATGTTACATGAGGCTCTGGGTGGACAGTTATAGTTACTCCAAACCGGACATTTTCACCTA[C>T]ATAAGCTGTCTTATTATAGAGAGGCAGGGTAAATTCTGGTGGCCTTTCCAGGAGTCTCAT-3'
Protein context (NP_001254479.2, residues 34261-34281): TLPLYNKTAY[Val34271Ile]GENVRFGVTI

ClinVar aggregate classification (germline): Conflicting classifications of pathogenicity. Review status: criteria provided, conflicting classifications (1 of 4 stars). 8 submissions from 8 submitters: Uncertain significance (6); Likely benign (2). Last evaluated 2025-12-15.

Conditions:
Cardiovascular phenotype. Identifiers: MedGen CN230736.
Autosomal recessive limb-girdle muscular dystrophy type 2J (LGMDR10). Also called: MUSCULAR DYSTROPHY, LIMB-GIRDLE, AUTOSOMAL RECESSIVE 10; Limb-girdle muscular dystrophy, type 2J. Identifiers: Orphanet 140922, MedGen C1837342, MONDO:0012127, OMIM 608807.
Dilated cardiomyopathy 1G (CMD1G). Identifiers: Orphanet 154, MedGen C1858763, MONDO:0011400, OMIM 604145.
Myopathy, myofibrillar, 9, with early respiratory failure (MFM9). Also called: Hereditary myopathy with early respiratory failure; EDSTROM MYOPATHY; MYOPATHY, PROXIMAL, WITH EARLY RESPIRATORY MUSCLE INVOLVEMENT; Myopathy, distal, with early respiratory failure, autosomal dominant. Identifiers: Orphanet 178464, Orphanet 34521, MedGen C1863599, MONDO:0011362, OMIM 603689.
Hypertrophic cardiomyopathy 9. Also called: Familial hypertrophic cardiomyopathy 9. Identifiers: MedGen C1861065, MONDO:0013412, OMIM 613765.
Early-onset myopathy with fatal cardiomyopathy (CMYO5). Also called: CONGENITAL MYOPATHY 5 WITH CARDIOMYOPATHY; Salih Myopathy. Identifiers: Orphanet 289377, MedGen C2673677, MONDO:0012714, OMIM 611705. Disease mechanism: loss of function.
Tibial muscular dystrophy (TMD). Also called: Tibial muscular dystrophy, tardive; UDD MYOPATHY; Udd Distal Myopathy – Tibial Muscular Dystrophy. Identifiers: Orphanet 609, MedGen C1838244, MONDO:0010870, OMIM 600334.
Cardiomyopathy (CMYO). Also called: Cardiomyopathies. Identifiers: Orphanet 167848, MedGen C0878544, MONDO:0004994, HP:0001638. Inheritance: Various modes of inheritance.

gnomAD v4.1: 4 of 1,613,992 alleles (0.00025%); highest among the groups gnomAD compares: Admixed American, 0.0017%; no homozygotes.

Submissions (8):

Labcorp Genetics (formerly Invitae), Labcorp
Classification: Uncertain significance for Dilated cardiomyopathy 1G; Autosomal recessive limb-girdle muscular dystrophy type 2J. Last evaluated: 2025-12-15. Review status: criteria provided, single submitter. Criteria: Invitae Variant Classification Sherloc (09022015). Collection method: clinical testing. Allele origin: germline.
Comment: This sequence change replaces valine, which is neutral and non-polar, with isoleucine, which is neutral and non-polar, at codon 34271 of the TTN protein (p.Val34271Ile). This variant is present in population databases (rs794727542, gnomAD 0.006%). This variant has not been reported in the literature in individuals affected with TTN-related conditions. ClinVar contains an entry for this variant (Variation ID: 196653). An algorithm developed to predict the effect of missense changes on protein structure and function outputs the following: PolyPhen-2: "Not Available". The isoleucine amino acid residue is found in multiple mammalian species, which suggests that this missense change does not adversely affect protein function. This variant is located in the M band of TTN (PMID: 25589632). Non-truncating variants in this region may be relevant for neuromuscular disorders, but have not been definitively shown to cause cardiomyopathy (PMID: 23975875). In summary, the available evidence is currently insufficient to determine the role of this variant in disease. Therefore, it has been classified as a Variant of Uncertain Significance.

Blueprint Genetics
Classification: Likely benign. Last evaluated: 2024-06-10. Review status: criteria provided, single submitter. Criteria: ACMG Guidelines, 2015. Collection method: clinical testing. Allele origin: germline.

Fulgent Genetics
Classification: Uncertain significance for Tibial muscular dystrophy; Myopathy, myofibrillar, 9, with early respiratory failure; Dilated cardiomyopathy 1G; Autosomal recessive limb-girdle muscular dystrophy type 2J; Early-onset myopathy with fatal cardiomyopathy; Hypertrophic cardiomyopathy 9. Last evaluated: 2024-05-14. Review status: criteria provided, single submitter. Criteria: ACMG Guidelines, 2015. Collection method: clinical testing. Allele origin: germline.

Revvity Omics, Revvity
Classification: Uncertain significance. Last evaluated: 2022-01-11. Review status: criteria provided, single submitter. Criteria: ACMG Guidelines, 2015. Collection method: clinical testing. Allele origin: germline.

Ambry Genetics
Classification: Uncertain significance for Cardiovascular phenotype. Last evaluated: 2019-12-23. Review status: criteria provided, single submitter. Criteria: Ambry Variant Classification Scheme 2023. Collection method: clinical testing. Allele origin: germline.
Comment: The p.V25206I variant (also known as c.75616G>A), located in coding exon 185 of the TTN gene, results from a G to A substitution at nucleotide position 75616. The valine at codon 25206 is replaced by isoleucine, an amino acid with highly similar properties. This amino acid position is not well conserved in available vertebrate species, and isoleucine is the reference amino acid in other vertebrate species. In addition, this alteration is predicted to be tolerated by in silico analysis. Since supporting evidence is limited at this time, the clinical significance of this alteration remains unclear.

Center for Advanced Laboratory Medicine, UC San Diego Health, University of California San Diego
Classification: Likely benign for Cardiomyopathy. Last evaluated: 2017-03-14. Review status: criteria provided, single submitter. Criteria: ACMG Guidelines, 2015. Collection method: clinical testing. Allele origin: germline. Affected: yes. Observed: 2 variant alleles.

Eurofins Ntd Llc (ga)
Classification: Uncertain significance. Last evaluated: 2015-02-13. Review status: criteria provided, single submitter. Criteria: EGL Classification Definitions 2015. Collection method: clinical testing. Allele origin: germline. Observed: 1 variant allele, 1 heterozygote.

GeneDx
Classification: Uncertain significance. Last evaluated: 2014-03-18. Review status: criteria provided, single submitter. Criteria: GeneDx Variant Classification (06012015). Collection method: clinical testing. Allele origin: germline. Affected: yes.
Comment: Missense variants in the TTN gene are considered 'unclassified' if they are not previously reported in the literature and do not have >1% frequency in the population to be considered a polymorphism. Research indicates that truncating mutations in the TTN gene are expected to account for approximately 25% of familial and 18% of sporadic idiopathic DCM; however, truncating variants in the TTN gene have been reported in approximately 3% of reported control alleles. There has been little investigation into non-truncating variants. (Herman D et al. Truncations of titin causing dilated cardiomyopathy. N Eng J Med 366:619-628, 2012) The variant is found in CARDIOMYOPATHY panel(s).

Literature cited by the submitters: PubMed 25589632 (cited by Labcorp Genetics (formerly Invitae), Labcorp); PubMed 23975875 (cited by Labcorp Genetics (formerly Invitae), Labcorp).